The following is an entry in ClinVar:

NM_002497.4(NEK2):c.223A>C (p.Ile75Leu)

Gene: NEK2 (NIMA related kinase 2; minus strand). Cytogenetic location: 1q32.3.
Variant type: single nucleotide variant.
Coding change: c.223A>C on transcript NM_002497.4 (MANE Select); coding-DNA position 223, A replaced by C.
Protein change: p.Ile75Leu; replaces isoleucine 75 with leucine.
Molecular consequence: missense variant.
Genome position (GRCh38, 1-based): chr1:211,674,387, T>G on the plus strand (A>C on the coding strand, the complement: NEK2 is on the minus strand). VCF-style: chr1-211674387-T-G. GRCh37 (hg19) VCF-style: chr1-211847729-T-G.
Other names: c.223A>C, p.Ile75Leu (NM_001204182.2, NM_001204183.2); short protein forms I75L.
Identifiers: ClinVar variation 1366782 (VCV001366782.8), dbSNP rs147996367, ClinGen allele CA344785088.
Genomic context (GRCh38, chr1:211,674,387, plus strand): 5'-CCAGATCCCCTCCTTCACAATATTCCATTACAATGTACAGTGTTGTATTGGTCCGGTCAA[T>G]AATCCGATCATAGTAACGAACGATGTTTGGATGTTTCAGTTCACGAAGCAAATTCACTTC-3'
Protein context (NP_002488.1, residues 65-85): PNIVRYYDRI[Ile75Leu]DRTNTTLYIV

ClinVar aggregate classification (germline): Uncertain significance (1 of 4 stars; one submission).

Submission:

Labcorp Genetics (formerly Invitae), Labcorp
Classification: Uncertain significance. Last evaluated: 2022-03-10. Review status: criteria provided, single submitter. Criteria: Invitae Variant Classification Sherloc (09022015). Collection method: clinical testing. Allele origin: germline.
Comment: In summary, the available evidence is currently insufficient to determine the role of this variant in disease. Therefore, it has been classified as a Variant of Uncertain Significance. Algorithms developed to predict the effect of missense changes on protein structure and function are either unavailable or do not agree on the potential impact of this missense change (SIFT: "Deleterious"; PolyPhen-2: "Benign"; Align-GVGD: "Class C0"). This variant has not been reported in the literature in individuals affected with NEK2-related conditions. This variant is not present in population databases (gnomAD no frequency). This sequence change replaces isoleucine, which is neutral and non-polar, with leucine, which is neutral and non-polar, at codon 75 of the NEK2 protein (p.Ile75Leu).